The following is an entry in ClinVar:

NM_004817.4(TJP2):c.894G>C (p.Glu298Asp)

Gene: TJP2 (tight junction protein 2; plus strand). Cytogenetic location: 9q21.11.
Variant type: single nucleotide variant.
Coding change: c.894G>C on transcript NM_004817.4 (MANE Select); coding-DNA position 894, G replaced by C.
Protein change: p.Glu298Asp; replaces glutamic acid 298 with aspartic acid.
Molecular consequence: missense variant.
Genome position (GRCh38, 1-based): chr9:69,221,438, G>C. VCF-style: chr9-69221438-G-C. GRCh37 (hg19) VCF-style: chr9-71836354-G-C.
Other names: c.825G>C, p.Glu275Asp (NM_001170414.2, NM_001369870.1, NM_001369871.1); c.906G>C, p.Glu302Asp (NM_001170415.1, NM_001369874.1, NM_001369875.1); c.987G>C, p.Glu329Asp (NM_001170416.2); c.894G>C, p.Glu298Asp (NM_001369872.1, NM_001369873.1, NM_201629.3); short protein forms E302D, E329D, E275D, E298D.
Identifiers: ClinVar variation 2069149 (VCV002069149.4), dbSNP rs1277586637, ClinGen allele CA373529478.

ClinVar aggregate classification (germline): Uncertain significance (1 of 4 stars; one submission).

Allele frequency attached by ClinVar (database versions not stated): gnomAD exomes 0.00001; TOPMed 0.00001; gnomAD 0.00003.

Submission:

Labcorp Genetics (formerly Invitae), Labcorp
Classification: Uncertain significance. Last evaluated: 2025-12-08. Review status: criteria provided, single submitter. Criteria: Invitae Variant Classification Sherloc (09022015). Collection method: clinical testing. Allele origin: germline.
Comment: This sequence change replaces glutamic acid, which is acidic and polar, with aspartic acid, which is acidic and polar, at codon 298 of the TJP2 protein (p.Glu298Asp). This variant is not present in population databases (gnomAD no frequency). This variant has not been reported in the literature in individuals affected with TJP2-related conditions. ClinVar contains an entry for this variant (Variation ID: 2069149). An algorithm developed to predict the effect of missense changes on protein structure and function outputs the following: PolyPhen-2: "Benign". The aspartic acid amino acid residue is found in multiple mammalian species, which suggests that this missense change does not adversely affect protein function. In summary, the available evidence is currently insufficient to determine the role of this variant in disease. Therefore, it has been classified as a Variant of Uncertain Significance.